The following is an entry in ClinVar:

ClinVar aggregate classification (germline): Uncertain significance. Review status: reviewed by expert panel (3 of 4 stars). 2 submissions from 2 submitters: Uncertain significance (1). 1 of the submissions does not count toward it. Last evaluated 2025-07-24.

Conditions:
Monogenic diabetes. Identifiers: Orphanet 183625, MedGen C3888631, MONDO:0015967.
Maturity-onset diabetes of the young type 3. Also called: MODY type 3; MODY, type III. Identifiers: Orphanet 552, MedGen C1838100, MeSH C563933, MONDO:0010894, OMIM 600496. Disease mechanism: loss of function.

Submissions (2):

ClinGen Monogenic Diabetes Variant Curation Expert Panel
Classification: Uncertain significance for Monogenic diabetes. Last evaluated: 2025-07-24. Review status: reviewed by expert panel. Criteria: ClinGen Diabetes ACMG Specifications HNF1A V3.0.0. Collection method: curation. Allele origin: germline. Inheritance: Autosomal dominant inheritance.
Comment: The c.1768+65dup variant in the HNF1 homeobox A gene, HNF1A, is a single nucleotide variant within intron 9 of NM_000545.8. This variant is absent from gnomAD v2.1.1 and v4.1.0 (PM2_Supporting). The computational splicing predictor SpliceAI gives a score of 0.0 for donor loss, suggesting that the variant has no impact on splicing (BP4). In summary, c.1768+65dup meets the criteria to be classified as a variant of uncertain significance for monogenic diabetes. ACMG/AMP criteria applied, as specified by the ClinGen MDEP (specification version 3.0.0, approved 6/30/2025): PM2_Supporting, BP4.

Women's Health and Genetics/Laboratory Corporation of America, LabCorp
Classification: Uncertain significance for MODY3. Last evaluated: 2011-08-18. Review status: criteria provided, single submitter. Criteria: LabCorp Variant Classification Summary - May 2015. Collection method: curation, clinical testing. Allele origin: germline. Inheritance: autosomal unknown. Affected: yes. Not counted in ClinVar's aggregate classification.
ClinVar note: Converted during submission from uncertain to Uncertain significance.

NM_000545.8(HNF1A):c.1768+65dup

Gene: HNF1A (HNF1 homeobox A; plus strand). Cytogenetic location: 12q24.31.
Variant type: Duplication.
Coding change: c.1768+65dup on transcript NM_000545.8 (MANE Select); 65 bases into the intron after coding-DNA position 1768, one base duplicated (C; older notation c.1768+65dupC).
Molecular consequence: intron variant.
Genome position (GRCh38, 1-based): chr12:120,999,692, C duplicated; the last of 4 consecutive C bases (chr12:120,999,689-120,999,692); duplicating any one gives the same sequence. VCF-style (leftmost placement, unchanged base first): chr12-120999688-A-AC. GRCh37 (hg19) VCF-style: chr12-121437491-A-AC.
Other names: c.1768+64dupC (NM_000545.5); c.1789+65dup (NM_001306179.2).
Identifiers: ClinVar variation 36812 (VCV000036812.7), dbSNP rs193922590, ClinGen allele CA214291.